The following is an entry in ClinVar:

NM_144988.4(ALG14):c.420+5G>A

Gene: ALG14 (ALG14 UDP-N-acetylglucosaminyltransferase subunit; minus strand). Cytogenetic location: 1p21.3.
Variant type: single nucleotide variant.
Coding change: c.420+5G>A on transcript NM_144988.4 (MANE Select); 5 bases into the intron after coding-DNA position 420, G replaced by A.
Molecular consequence: intron variant.
Genome position (GRCh38, 1-based): chr1:95,027,124, C>T on the plus strand (G>A on the coding strand, the complement: ALG14 is on the minus strand). VCF-style: chr1-95027124-C-T. GRCh37 (hg19) VCF-style: chr1-95492680-C-T.
Other names: c.457+5G>A (NM_001305242.2).
Identifiers: ClinVar variation 651088 (VCV000651088.8), dbSNP rs1571621391, ClinGen allele CA915941343.

ClinVar aggregate classification (germline): Uncertain significance (1 of 4 stars; one submission).

Conditions:
Congenital myasthenic syndrome 15. Also called: Myasthenic syndrome, congenital, 15, without tubular aggregates. Identifiers: Orphanet 353327, Orphanet 590, MedGen C4015596, MONDO:0014542, OMIM 616227.

Submission:

Labcorp Genetics (formerly Invitae), Labcorp
Classification: Uncertain significance for Congenital myasthenic syndrome 15. Last evaluated: 2023-08-10. Review status: criteria provided, single submitter. Criteria: Invitae Variant Classification Sherloc (09022015). Collection method: clinical testing. Allele origin: germline.
Comment: In summary, the available evidence is currently insufficient to determine the role of this variant in disease. Therefore, it has been classified as a Variant of Uncertain Significance. Variants that disrupt the consensus splice site are a relatively common cause of aberrant splicing (PMID: 17576681, 9536098). Algorithms developed to predict the effect of sequence changes on RNA splicing suggest that this variant may disrupt the consensus splice site. ClinVar contains an entry for this variant (Variation ID: 651088). This variant has not been reported in the literature in individuals affected with ALG14-related conditions. This variant is not present in population databases (gnomAD no frequency). This sequence change falls in intron 3 of the ALG14 gene. It does not directly change the encoded amino acid sequence of the ALG14 protein. It affects a nucleotide within the consensus splice site.

Literature cited by the submitters: PubMed 17576681; PubMed 9536098.